The following is an entry in ClinVar:

NM_000059.4(BRCA2):c.1153A>T (p.Lys385Ter)

Gene: BRCA2 (BRCA2 DNA repair associated; plus strand). Cytogenetic location: 13q13.1.
Variant type: single nucleotide variant.
Coding change: c.1153A>T on transcript NM_000059.4 (MANE Select); coding-DNA position 1153, A replaced by T.
Protein change: p.Lys385Ter; replaces lysine 385 with a stop codon.
Molecular consequence: nonsense.
Genome position (GRCh38, 1-based): chr13:32,332,631, A>T. VCF-style: chr13-32332631-A-T. GRCh37 (hg19) VCF-style: chr13-32906768-A-T.
Other names: short protein forms K385*.
Identifiers: ClinVar variation 51073 (VCV000051073.19), dbSNP rs80358411, ClinGen allele CA010988.

ClinVar aggregate classification (germline): Pathogenic. Review status: reviewed by expert panel (3 of 4 stars). 7 submissions from 7 submitters: Pathogenic (1). 6 of the submissions do not count toward it. Last evaluated 2016-09-08.

Conditions:
Hereditary breast ovarian cancer syndrome. Also called: Hereditary breast and ovarian cancer syndrome; Hereditary breast and ovarian cancer; Hereditary breast and ovarian cancer syndrome (HBOC); Breast and ovarian cancer; Hereditary breast and/or ovarian cancer syndrome; BRCA1- and BRCA2-Associated Hereditary Breast and Ovarian Cancer. Identifiers: Orphanet 145, MedGen C0677776, MeSH D061325, MONDO:0003582. Disease mechanism: loss of function.
Breast-ovarian cancer, familial, susceptibility to, 2 (BROVCA2). Also called: BRCA2 Hereditary Breast and Ovarian Cancer. Identifiers: Orphanet 145, MedGen C2675520, MONDO:0012933, OMIM 612555. Disease mechanism: loss of function.
Hereditary cancer-predisposing syndrome. Also called: Neoplastic Syndromes, Hereditary; Tumor predisposition; Hereditary Cancer Syndrome; Hereditary neoplastic syndrome. Identifiers: Orphanet 140162, MedGen C0027672, MeSH D009386, MONDO:0015356.

Submissions (7):

Evidence-based Network for the Interpretation of Germline Mutant Alleles (ENIGMA)
Classification: Pathogenic for Breast-ovarian cancer, familial, susceptibility to, 2. Last evaluated: 2016-09-08. Review status: reviewed by expert panel. Criteria: ENIGMA BRCA1/2 Classification Criteria (2015). Collection method: curation. Allele origin: germline.
Comment: Variant allele predicted to encode a truncated non-functional protein.

Ambry Genetics
Classification: Pathogenic for Hereditary cancer-predisposing syndrome. Last evaluated: 2024-08-30. Review status: criteria provided, single submitter. Criteria: Ambry Variant Classification Scheme 2023. Collection method: clinical testing. Allele origin: germline. Not counted in ClinVar's aggregate classification.
Comment: The p.K385* pathogenic mutation (also known as c.1153A>T), located in coding exon 9 of the BRCA2 gene, results from an A to T substitution at nucleotide position 1153. This changes the amino acid from a lysine to a stop codon within coding exon 9. This mutation (designated as 1380A/T, K385Stop) has been reported in one Spanish family with breast and early onset ovarian cancers (de la Hoya M et al. Int. J. Cancer 2002 Feb;97:466-71). This variant is considered to be rare based on population cohorts in the Genome Aggregation Database (gnomAD). In addition to the clinical data presented in the literature, this alteration is expected to result in loss of function by premature protein truncation or nonsense-mediated mRNA decay. As such, this alteration is interpreted as a disease-causing mutation.

Labcorp Genetics (formerly Invitae), Labcorp
Classification: Pathogenic for Hereditary breast ovarian cancer syndrome. Last evaluated: 2022-04-04. Review status: criteria provided, single submitter. Criteria: Invitae Variant Classification Sherloc (09022015). Collection method: clinical testing. Allele origin: germline. Not counted in ClinVar's aggregate classification.
Comment: This sequence change creates a premature translational stop signal (p.Lys385*) in the BRCA2 gene. It is expected to result in an absent or disrupted protein product. Loss-of-function variants in BRCA2 are known to be pathogenic (PMID: 20104584). This variant is not present in population databases (gnomAD no frequency). This premature translational stop signal has been observed in individual(s) with clinical features of hereditary breast and ovarian cancer (HBOC) syndrome (PMID: 11802208, 29446198). ClinVar contains an entry for this variant (Variation ID: 51073). For these reasons, this variant has been classified as Pathogenic.

Color Diagnostics, LLC DBA Color Health
Classification: Pathogenic for Hereditary cancer-predisposing syndrome. Last evaluated: 2020-01-15. Review status: criteria provided, single submitter. Criteria: ACMG Guidelines, 2015. Collection method: clinical testing. Allele origin: germline. Not counted in ClinVar's aggregate classification.
Comment: This variant changes 1 nucleotide in exon 10 of the BRCA2 gene, creating a premature translation stop signal. This variant is expected to result in an absent or non-functional protein product. This variant has not been identified in the general population by the Genome Aggregation Database (gnomAD). Loss of BRCA2 function is a known mechanism of disease. Based on the available evidence, this variant is classified as Pathogenic.

GeneDx
Classification: Pathogenic. Last evaluated: 2016-10-04. Review status: criteria provided, single submitter. Criteria: GeneDx Variant Classification (06012015). Collection method: clinical testing. Allele origin: germline. Affected: yes. Not counted in ClinVar's aggregate classification.
Comment: This variant is denoted BRCA2 c.1153A>T at the cDNA level and p.Lys385Ter (K385X) at the protein level. Using alternate nomenclature, this variant would be defined as BRCA2 1381A>T. The substitution creates a nonsense variant, which changes a Lysine to a premature stop codon (AAG>TAG), and is predicted to cause loss of normal protein function through either protein truncation or nonsense-mediated mRNA decay. BRCA2 Lys385Ter has been observed in at least one family with breast and ovarian cancer (de la Hoya 2002), and we consider it to be pathogenic.

Consortium of Investigators of Modifiers of BRCA1/2 (CIMBA), c/o University of Cambridge
Classification: Pathogenic for Breast-ovarian cancer, familial, susceptibility to, 2. Last evaluated: 2015-10-02. Review status: criteria provided, single submitter. Criteria: CIMBA Mutation Classification guidelines May 2016. Collection method: clinical testing. Allele origin: germline. Not counted in ClinVar's aggregate classification.

Breast Cancer Information Core (BIC) (BRCA2)
Classification: Pathogenic for Breast-ovarian cancer, familial 2. Last evaluated: 1998-03-04. Review status: no assertion criteria provided. Collection method: clinical testing. Allele origin: germline. Affected: yes. Observed: 2 variant alleles. Not counted in ClinVar's aggregate classification.

Literature cited by the submitters: PubMed 11802208 (cited by Ambry Genetics and Labcorp Genetics (formerly Invitae), Labcorp); PubMed 20104584 (cited by Labcorp Genetics (formerly Invitae), Labcorp); PubMed 29446198 (cited by Labcorp Genetics (formerly Invitae), Labcorp).